The following is an entry in ClinVar:

ClinVar aggregate classification (germline): Pathogenic/Likely pathogenic. Review status: criteria provided, multiple submitters, no conflicts (2 of 4 stars). 3 submissions from 3 submitters: Pathogenic (1); Likely pathogenic (1). 1 of the submissions does not count toward it. Last evaluated 2025-12-05.

Conditions:
OSMR-associated severe allergic disease.
HYPER-IgE SYNDROME 7, AUTOSOMAL RECESSIVE (HIES7). Identifiers: MedGen CN382683, OMIM 621760.
Increased circulating IgE concentration. Also called: Increased IgE level; Ige, elevated level of. Identifiers: MedGen C0236175, HP:0003212.
Allergic rhinitis. Identifiers: MedGen C2607914, MONDO:0011786, HP:0003193.
Increased total eosinophil count. Also called: Eosinophilia. Identifiers: MedGen C0014457, HP:0001880.
Dust mite allergy. Also called: House dust mite allergy. Identifiers: MedGen C0339808, HP:0410324.
Allergic conjunctivitis. Identifiers: MedGen C0009766, MONDO:0005642, HP:0007879.
Atopic eczema. Identifiers: MedGen C0011615, MONDO:0004980, HP:0001047.

Submissions (3):

Institute of Human Genetics, Cologne University
Classification: Pathogenic for OSMR-associated severe allergic disease. Last evaluated: 2025-12-05. Review status: criteria provided, single submitter. Criteria: ACMG Guidelines, 2015. Collection method: clinical testing. Allele origin: germline. Affected: yes.

Turvey Lab, BC Children's Hospital Research Institute
Classification: Likely pathogenic for Atopic eczema; Increased circulating IgE concentration; Increased total eosinophil count; Dust mite allergy; Allergic conjunctivitis; Allergic rhinitis. Review status: criteria provided, single submitter. Criteria: ACMG Guidelines, 2015. Collection method: research, in vitro. Allele origin: germline, not applicable. Affected: yes. Observed: 1 variant allele. Functional consequence: protein truncation, cellular mislocalization.
Comment: The OSMR c.1433del (p.Pro478Hisfs18) variant is a single nucleotide deletion causing a frameshift and premature stop codon in the fibronectin III domain of OSMRβ, a member of the IL-6 superfamily that mediates signalling through both the OSM type II receptor and the IL-31 receptor. This variant has been identified in three affected siblings from a single kindred with severe early-onset atopic dermatitis, peripheral eosinophilia, and elevated serum IgE, all of whom were found homozygous for this variant (Samra et al., JHI 2026; DOI 10.70962/jhi.20260067). Note that as these individuals are from a single kindred, PS4 was not applied. Functional studies in HEK293 cells demonstrated that OSMRβ protein bearing the p.Pro478Hisfs18 variant showed markedly reduced/absent cell surface expression compared to wildtype, consistent with a loss-of-function effect (PS3). This variant is absent from the Genome Aggregation Database (gnomAD), indicating it is not a common polymorphism (PM2). In silico prediction tools including CADD, SIFT, and PolyPhen-2 predict this variant to be damaging (PP3). Although this frameshift variant would ordinarily warrant consideration of PVS1, this criterion was intentionally not applied as loss-of-function has not yet been established as a disease mechanism for OSMR in a peer-reviewed publication; this classification will be reviewed and updated upon formal publication of the associated manuscript. In summary, this variant is classified as Likely Pathogenic based on the following ACMG/AMP criteria: PS3 (Strong), PM2 (Moderate), PP3 (Supporting), meeting rule (ii) for Likely Pathogenic classification (1 Strong + 1–2 Moderate).

OMIM
Classification: Pathogenic for HYPER-IgE SYNDROME 7, AUTOSOMAL RECESSIVE. Last evaluated: 2026-11-25. Review status: no assertion criteria provided. Collection method: literature only. Allele origin: germline. Not counted in ClinVar's aggregate classification.

Literature cited by the submitters: PubMed 40970115 (cited by Institute of Human Genetics, Cologne University); PubMed 42221229 (cited by Institute of Human Genetics, Cologne University and OMIM).

NM_003999.3(OSMR):c.1433del (p.Pro478fs)

Gene: OSMR (oncostatin M receptor; plus strand). Cytogenetic location: 5p13.1.
Variant type: Deletion.
Coding change: c.1433del on transcript NM_003999.3 (MANE Select); coding-DNA position 1433, one base deleted (C; older notation c.1433delC).
Protein change: p.Pro478fs; shifts the reading frame from proline 478.
Molecular consequence: frameshift variant.
Genome position (GRCh38, 1-based): chr5:38,918,910, C deleted; the last of 2 consecutive C bases (chr5:38,918,909-38,918,910); deleting either gives the same sequence. VCF-style (leftmost placement, unchanged base first): chr5-38918908-AC-A. GRCh37 (hg19) VCF-style: chr5-38919010-AC-A.
Other names: c.1433del, p.Pro478fs (NM_001323505.2, NM_001323507.2); c.1436del, p.Pro479fs (NM_001323506.2); short protein forms P478fs, P479fs.
Identifiers: ClinVar variation 4852969 (VCV004852969.3).